The following is an entry in ClinVar:

NM_178170.3(NEK8):c.824G>A (p.Arg275Gln)

Gene: NEK8 (NIMA related kinase 8; plus strand). Cytogenetic location: 17q11.2.
Variant type: single nucleotide variant.
Coding change: c.824G>A on transcript NM_178170.3 (MANE Select); coding-DNA position 824, G replaced by A.
Protein change: p.Arg275Gln; replaces arginine 275 with glutamine.
Molecular consequence: missense variant.
Genome position (GRCh38, 1-based): chr17:28,737,511, G>A. VCF-style: chr17-28737511-G-A. GRCh37 (hg19) VCF-style: chr17-27064529-G-A.
Other names: short protein forms R275Q.
Identifiers: ClinVar variation 2515259 (VCV002515259.3), dbSNP rs746446513, ClinGen allele CA8467173.
Genomic context (GRCh38, chr17:28,737,511, plus strand): 5'-AGCCCCTCTGCATCCGTGCCCTCCTCAACCTCCACACCGACGTGGGCAGTGTCCGCATGC[G>A]GAGGCCTGTGCAGGGACAGCGAGCGGTCCTGGGCGGCAGGGTGTGGGCACCCAGTGGGAG-3'
Protein context (NP_835464.1, residues 265-285): LHTDVGSVRM[Arg275Gln]RAEKSVAPSN

ClinVar aggregate classification (germline): Uncertain significance. Review status: criteria provided, multiple submitters, no conflicts (2 of 4 stars). 2 submissions from 2 submitters: Uncertain significance (2). Last evaluated 2025-06-30.

Conditions:
Nephronophthisis 9 (NPHP9). Identifiers: Orphanet 655, MedGen C3151188, MONDO:0013444, OMIM 613824.
Inborn genetic diseases. Identifiers: MedGen C0950123, MeSH D030342.

Allele frequency attached by ClinVar (database versions not stated): gnomAD exomes 0.00002; ExAC 0.00003; TOPMed 0.00004; gnomAD 0.00005.
gnomAD v4.1: 41 of 1,613,060 alleles (0.0025%); highest among the groups gnomAD compares: South Asian, 0.019%; no homozygotes.

Submissions (2):

Labcorp Genetics (formerly Invitae), Labcorp
Classification: Uncertain significance for Nephronophthisis 9. Last evaluated: 2025-06-30. Review status: criteria provided, single submitter. Criteria: Invitae Variant Classification Sherloc (09022015). Collection method: clinical testing. Allele origin: germline.
Comment: This sequence change replaces arginine, which is basic and polar, with glutamine, which is neutral and polar, at codon 275 of the NEK8 protein (p.Arg275Gln). This variant is present in population databases (rs746446513, gnomAD 0.02%). This variant has not been reported in the literature in individuals affected with NEK8-related conditions. ClinVar contains an entry for this variant (Variation ID: 2515259). An algorithm developed to predict the effect of missense changes on protein structure and function (PolyPhen-2) suggests that this variant is likely to be tolerated. In summary, the available evidence is currently insufficient to determine the role of this variant in disease. Therefore, it has been classified as a Variant of Uncertain Significance.

Ambry Genetics
Classification: Uncertain significance for Inborn genetic diseases. Last evaluated: 2023-05-03. Review status: criteria provided, single submitter. Criteria: Ambry Variant Classification Scheme 2023. Collection method: clinical testing. Allele origin: germline.